The following is an entry in ClinVar:

NM_020166.5(MCCC1):c.1324G>T (p.Ala442Ser)

Gene: MCCC1 (methylcrotonyl-CoA carboxylase subunit 1; minus strand). Cytogenetic location: 3q27.1.
Variant type: single nucleotide variant.
Coding change: c.1324G>T on transcript NM_020166.5 (MANE Select); coding-DNA position 1324, G replaced by T.
Protein change: p.Ala442Ser; replaces alanine 442 with serine.
Molecular consequence: missense variant. On other transcripts: non-coding transcript variant (2).
Genome position (GRCh38, 1-based): chr3:183,039,079, C>A on the plus strand (G>T on the coding strand, the complement: MCCC1 is on the minus strand). VCF-style: chr3-183039079-C-A. GRCh37 (hg19) VCF-style: chr3-182756867-C-A.
Other names: c.973G>T, p.Ala325Ser (NM_001293273.2); c.997G>T, p.Ala333Ser (NM_001363880.1); short protein forms A442S, A325S, A333S.
Identifiers: ClinVar variation 2054106 (VCV002054106.4), dbSNP rs1386085483, ClinGen allele CA355321946.

ClinVar aggregate classification (germline): Uncertain significance (1 of 4 stars; one submission).

Conditions:
3-methylcrotonyl-CoA carboxylase 1 deficiency (MCC1D). Also called: MCCD TYPE 1; METHYLCROTONYLGLYCINURIA TYPE I; MCC 1 deficiency; 3 Alpha methylcrotonylglycinuria 1. Identifiers: Orphanet 6, MedGen CN028786, MONDO:0008861, OMIM 210200.

Submission:

Labcorp Genetics (formerly Invitae), Labcorp
Classification: Uncertain significance for 3-methylcrotonyl-CoA carboxylase 1 deficiency. Last evaluated: 2023-08-04. Review status: criteria provided, single submitter. Criteria: Invitae Variant Classification Sherloc (09022015). Collection method: clinical testing. Allele origin: germline.
Comment: In summary, the available evidence is currently insufficient to determine the role of this variant in disease. Therefore, it has been classified as a Variant of Uncertain Significance. Advanced modeling of protein sequence and biophysical properties (such as structural, functional, and spatial information, amino acid conservation, physicochemical variation, residue mobility, and thermodynamic stability) performed at Invitae indicates that this missense variant is not expected to disrupt MCCC1 protein function. ClinVar contains an entry for this variant (Variation ID: 2054106). This variant has not been reported in the literature in individuals affected with MCCC1-related conditions. This variant is not present in population databases (gnomAD no frequency). This sequence change replaces alanine, which is neutral and non-polar, with serine, which is neutral and polar, at codon 442 of the MCCC1 protein (p.Ala442Ser).